The following is an entry in ClinVar:

NM_000264.5(PTCH1):c.1348-10C>A

Gene: PTCH1 (patched 1; minus strand). Cytogenetic location: 9q22.32.
Variant type: single nucleotide variant.
Coding change: c.1348-10C>A on transcript NM_000264.5 (MANE Select); 10 bases into the intron before coding-DNA position 1348, C replaced by A.
Molecular consequence: intron variant.
Genome position (GRCh38, 1-based): chr9:95,477,712, G>T on the plus strand (C>A on the coding strand, the complement: PTCH1 is on the minus strand). VCF-style: chr9-95477712-G-T. GRCh37 (hg19) VCF-style: chr9-98239994-G-T.
Other names: c.1345-10C>A (NM_001083603.3); c.1150-10C>A (NM_001083602.3); c.1347+343C>A (NM_001354918.2); c.895-10C>A (NM_001083605.3, NM_001083604.3, NM_001083606.3 and 1 more transcripts).
Identifiers: ClinVar variation 3572025 (VCV003572025.1).
Genomic context (GRCh38, chr9:95,477,712, plus strand): 5'-CTGGGACTTGGAGCAGTCCCAGCGCAGCATGGTTAGACAGGCATAGGCGAGCTGCAAGCA[G>T]AACAATGGGGGCACAGAACAAAAGCCGAACATTAGAATGTGTTGTGATTCTAATGTTTCC-3'

ClinVar aggregate classification (germline): Uncertain significance (1 of 4 stars; one submission).

Submission:

Quest Diagnostics Nichols Institute San Juan Capistrano
Classification: Uncertain significance. Last evaluated: 2024-10-24. Review status: criteria provided, single submitter. Criteria: Quest Diagnostics criteria. Collection method: clinical testing. Allele origin: unknown.
Comment: The PTCH1 c.1348-10C>A variant has not been reported in individuals with PTCH1-related conditions in the published literature. It also has not been reported in large, multi-ethnic general populations (Genome Aggregation Database). Analysis of this variant using software algorithms for the prediction of the effect of nucleotide changes on splicing yielded predictions that this variant may affect proper PTCH1 mRNA splicing. Based on the available information, we are unable to determine the clinical significance of this variant.